The following is an entry in ClinVar:

ClinVar aggregate classification (germline): Benign/Likely benign. Review status: criteria provided, multiple submitters, no conflicts (2 of 4 stars). 4 submissions from 4 submitters: Benign (2); Likely benign (1). 1 of the submissions does not count toward it. Last evaluated 2026-01-09.

Conditions:
CACNA1G-related disorder. Also called: CACNA1G-related condition; CACNA1G-related disorders.

Allele frequency attached by ClinVar (database versions not stated): ESP Exome Variant Server 0.00197; 1000 Genomes Project 30x 0.00203; 1000 Genomes Project 0.00220; TOPMed 0.00225.
gnomAD v4.1: 801 of 1,607,450 alleles (0.05%); highest among the groups gnomAD compares: African/African-American, 0.73%; 2 homozygotes.

Submissions (4):

Labcorp Genetics (formerly Invitae), Labcorp
Classification: Benign. Last evaluated: 2026-01-09. Review status: criteria provided, single submitter. Criteria: Invitae Variant Classification Sherloc (09022015). Collection method: clinical testing. Allele origin: germline.

Blueprint Genetics
Classification: Likely benign. Last evaluated: 2024-09-18. Review status: criteria provided, single submitter. Criteria: ACMG Guidelines, 2015. Collection method: clinical testing. Allele origin: germline.

Breakthrough Genomics
Classification: Benign. Review status: criteria provided, single submitter. Criteria: ACMG Guidelines, 2015. Collection method: not provided. Allele origin: germline. Inheritance: Autosomal dominant inheritance. Affected: yes.

PreventionGenetics, part of Exact Sciences
Classification: Benign for CACNA1G-related condition. Last evaluated: 2019-03-21. Review status: no assertion criteria provided. Collection method: clinical testing. Allele origin: germline. Not counted in ClinVar's aggregate classification.
Comment: This variant is classified as benign based on ACMG/AMP sequence variant interpretation guidelines (Richards et al. 2015 PMID: 25741868, with internal and published modifications).

NM_018896.5(CACNA1G):c.2453+10C>T

Gene: CACNA1G (calcium voltage-gated channel subunit alpha1 G; plus strand). Cytogenetic location: 17q21.33.
Variant type: single nucleotide variant.
Coding change: c.2453+10C>T on transcript NM_018896.5 (MANE Select); 10 bases into the intron after coding-DNA position 2453, C replaced by T.
Molecular consequence: intron variant.
Genome position (GRCh38, 1-based): chr17:50,590,632, C>T. VCF-style: chr17-50590632-C-T. GRCh37 (hg19) VCF-style: chr17-48667993-C-T.
Other names: c.2453+10C>T (NM_001256325.2, NM_198377.3, NM_198380.3 and 24 more transcripts).
Identifiers: ClinVar variation 716488 (VCV000716488.12), dbSNP rs185499803, ClinGen allele CA8652410.